The following is an entry in ClinVar:

ClinVar aggregate classification (germline): Uncertain significance (1 of 4 stars; one submission).

Allele frequency attached by ClinVar (database versions not stated): gnomAD 0.00001; TOPMed 0.00002.
gnomAD v4.1: 33 of 1,613,892 alleles (0.002%); highest among the groups gnomAD compares: Non-Finnish European, 0.0027%; no homozygotes.

Submission:

Labcorp Genetics (formerly Invitae), Labcorp
Classification: Uncertain significance. Last evaluated: 2023-12-06. Review status: criteria provided, single submitter. Criteria: Invitae Variant Classification Sherloc (09022015). Collection method: clinical testing. Allele origin: germline.
Comment: This sequence change replaces glutamine, which is neutral and polar, with arginine, which is basic and polar, at codon 3382 of the HERC1 protein (p.Gln3382Arg). This variant is present in population databases (no rsID available, gnomAD 0.002%). This variant has not been reported in the literature in individuals affected with HERC1-related conditions. ClinVar contains an entry for this variant (Variation ID: 1918751). Advanced modeling of protein sequence and biophysical properties (such as structural, functional, and spatial information, amino acid conservation, physicochemical variation, residue mobility, and thermodynamic stability) has been performed at Invitae for this missense variant, however the output from this modeling did not meet the statistical confidence thresholds required to predict the impact of this variant on HERC1 protein function. In summary, the available evidence is currently insufficient to determine the role of this variant in disease. Therefore, it has been classified as a Variant of Uncertain Significance.

NM_003922.4(HERC1):c.10145A>G (p.Gln3382Arg)

Gene: HERC1 (HECT and RLD domain containing E3 ubiquitin protein ligase family member 1; minus strand). Cytogenetic location: 15q22.31.
Variant type: single nucleotide variant.
Coding change: c.10145A>G on transcript NM_003922.4 (MANE Select); coding-DNA position 10145, A replaced by G.
Protein change: p.Gln3382Arg; replaces glutamine 3382 with arginine.
Molecular consequence: missense variant.
Genome position (GRCh38, 1-based): chr15:63,654,264, T>C on the plus strand (A>G on the coding strand, the complement: HERC1 is on the minus strand). VCF-style: chr15-63654264-T-C. GRCh37 (hg19) VCF-style: chr15-63946463-T-C.
Other names: short protein forms Q3382R.
Identifiers: ClinVar variation 1918751 (VCV001918751.5), dbSNP rs1275934459, ClinGen allele CA392755069.